The following is an entry in ClinVar:

NM_001171613.2(PREPL):c.1888G>A (p.Glu630Lys)

Genes: PREPL (prolyl endopeptidase like; minus strand), SLC3A1 (solute carrier family 3 member 1; plus strand). Cytogenetic location: 2p21.
Variant type: single nucleotide variant.
Coding change: c.1888G>A on transcript NM_001171613.2 (MANE Select); coding-DNA position 1888, G replaced by A.
Protein change: p.Glu630Lys; replaces glutamic acid 630 with lysine.
Molecular consequence: missense variant. On other transcripts: 3 prime UTR variant (1).
Genome position (GRCh38, 1-based): chr2:44,321,385, C>T on the plus strand (G>A on the coding strand, the complement: PREPL is on the minus strand). VCF-style: chr2-44321385-C-T. GRCh37 (hg19) VCF-style: chr2-44548524-C-T.
Other names: c.*746C>T (NM_000341.4); c.1969G>A, p.Glu657Lys (NM_001042385.2); c.1957G>A, p.Glu653Lys (NM_001042386.2); c.2155G>A, p.Glu719Lys (NM_001171603.1, NM_001171606.2, NM_001374275.1 and 2 more transcripts); c.1888G>A, p.Glu630Lys (NM_001171617.1, NM_001374277.1); short protein forms E719K, E653K, E657K, E630K.
Identifiers: ClinVar variation 843050 (VCV000843050.7), dbSNP rs892455452, ClinGen allele CA46523413.

ClinVar aggregate classification (germline): Uncertain significance (1 of 4 stars; one submission).

Conditions:
Myasthenic syndrome, congenital, 22 (CMS22). Also called: PREPL DEFICIENCY. Identifiers: MedGen C4479088, MONDO:0044299, OMIM 616224.

Allele frequency attached by ClinVar (database versions not stated): gnomAD 0.00002; TOPMed 0.00002.
gnomAD v4.1: 30 of 1,611,948 alleles (0.0019%); highest among the groups gnomAD compares: East Asian, 0.0022%; no homozygotes.

Submission:

Labcorp Genetics (formerly Invitae), Labcorp
Classification: Uncertain significance for Myasthenic syndrome, congenital, 22. Last evaluated: 2023-08-04. Review status: criteria provided, single submitter. Criteria: Invitae Variant Classification Sherloc (09022015). Collection method: clinical testing. Allele origin: germline.
Comment: In summary, the available evidence is currently insufficient to determine the role of this variant in disease. Therefore, it has been classified as a Variant of Uncertain Significance. An algorithm developed to predict the effect of missense changes on protein structure and function (PolyPhen-2) suggests that this variant¬†is likely to be tolerated. ClinVar contains an entry for this variant (Variation ID: 843050). This variant has not been reported in the literature in individuals affected with PREPL-related conditions. This variant is present in population databases (no rsID available, gnomAD 0.006%). This sequence change replaces glutamic acid, which is acidic and polar, with lysine, which is basic and polar, at codon 719 of the PREPL protein (p.Glu719Lys).